The following is an entry in ClinVar:

NM_003791.4(MBTPS1):c.2132G>A (p.Arg711Gln)

Gene: MBTPS1 (membrane bound transcription factor peptidase, site 1; minus strand). Cytogenetic location: 16q23.3.
Variant type: single nucleotide variant.
Coding change: c.2132G>A on transcript NM_003791.4 (MANE Select); coding-DNA position 2132, G replaced by A.
Protein change: p.Arg711Gln; replaces arginine 711 with glutamine.
Molecular consequence: missense variant.
Genome position (GRCh38, 1-based): chr16:84,067,763, C>T on the plus strand (G>A on the coding strand, the complement: MBTPS1 is on the minus strand). VCF-style: chr16-84067763-C-T. GRCh37 (hg19) VCF-style: chr16-84101368-C-T.
Other names: c.2132G>A (NM_003791.2); short protein forms R711Q.
Identifiers: ClinVar variation 1947903 (VCV001947903.6), dbSNP rs751240229, ClinGen allele CA8201043.

ClinVar aggregate classification (germline): Uncertain significance. Review status: criteria provided, multiple submitters, no conflicts (2 of 4 stars). 2 submissions from 2 submitters: Uncertain significance (2). Last evaluated 2025-09-25.

Conditions:
Inborn genetic diseases. Identifiers: MedGen C0950123, MeSH D030342.

Allele frequency attached by ClinVar (database versions not stated): TOPMed below 0.00001; ExAC 0.00002; gnomAD exomes 0.00002.

Submissions (2):

Ambry Genetics
Classification: Uncertain significance for Inborn genetic diseases. Last evaluated: 2025-09-25. Review status: criteria provided, single submitter. Criteria: Ambry Variant Classification Scheme 2023. Collection method: clinical testing. Allele origin: germline.

Labcorp Genetics (formerly Invitae), Labcorp
Classification: Uncertain significance. Last evaluated: 2023-09-18. Review status: criteria provided, single submitter. Criteria: Invitae Variant Classification Sherloc (09022015). Collection method: clinical testing. Allele origin: germline.
Comment: In summary, the available evidence is currently insufficient to determine the role of this variant in disease. Therefore, it has been classified as a Variant of Uncertain Significance. An algorithm developed to predict the effect of missense changes on protein structure and function (PolyPhen-2) suggests that this variant is likely to be tolerated. ClinVar contains an entry for this variant (Variation ID: 1947903). This variant has not been reported in the literature in individuals affected with MBTPS1-related conditions. This variant is present in population databases (rs751240229, gnomAD 0.006%). This sequence change replaces arginine, which is basic and polar, with glutamine, which is neutral and polar, at codon 711 of the MBTPS1 protein (p.Arg711Gln).